The following is an entry in ClinVar:

NM_004415.4(DSP):c.1511T>G (p.Leu504Arg)

Gene: DSP (desmoplakin; plus strand). Cytogenetic location: 6p24.3.
Variant type: single nucleotide variant.
Coding change: c.1511T>G on transcript NM_004415.4 (MANE Select); coding-DNA position 1511, T replaced by G.
Protein change: p.Leu504Arg; replaces leucine 504 with arginine.
Molecular consequence: missense variant.
Genome position (GRCh38, 1-based): chr6:7,569,277, T>G. VCF-style: chr6-7569277-T-G. GRCh37 (hg19) VCF-style: chr6-7569510-T-G.
Other names: c.1511T>G, p.Leu504Arg (NM_001008844.3, NM_001319034.2); short protein forms L504R.
Identifiers: ClinVar variation 3070831 (VCV003070831.2), dbSNP rs2533887361, ClinGen allele CA362677675.

ClinVar aggregate classification (germline): Uncertain significance. Review status: criteria provided, multiple submitters, no conflicts (2 of 4 stars). 2 submissions from 2 submitters: Uncertain significance (2). Last evaluated 2025-06-17.

Conditions:
Arrhythmogenic cardiomyopathy with wooly hair and keratoderma. Also called: PALMOPLANTAR KERATODERMA WITH LEFT VENTRICULAR CARDIOMYOPATHY AND WOOLLY HAIR; Carvajal syndrome; Dilated cardiomyopathy with woolly hair and keratoderma; Arrhythmogenic cardiomyopathy with woolly hair and keratoderma. Identifiers: Orphanet 65282, MedGen C1854063, MONDO:0011581, OMIM 605676.
Cardiomyopathy (CMYO). Also called: Cardiomyopathies. Identifiers: Orphanet 167848, MedGen C0878544, MONDO:0004994, HP:0001638. Inheritance: Various modes of inheritance.

Submissions (2):

Color Diagnostics, LLC DBA Color Health
Classification: Uncertain significance for Cardiomyopathy. Last evaluated: 2025-06-17. Review status: criteria provided, single submitter. Criteria: ACMG Guidelines, 2015. Collection method: clinical testing. Allele origin: germline.
Comment: This missense variant replaces leucine with arginine at codon 504 of the DSP protein. Computational prediction is inconclusive regarding the impact of this variant on protein structure and function. To our knowledge, functional studies have not been reported for this variant. This variant has not been reported in individuals affected with DSP-related disorders in the literature. This variant has not been identified in the general population by the Genome Aggregation Database (gnomAD). The available evidence is insufficient to determine the role of this variant in disease conclusively. Therefore, this variant is classified as a Variant of Uncertain Significance.

All of Us Research Program, National Institutes of Health
Classification: Uncertain significance for Arrhythmogenic cardiomyopathy with wooly hair and keratoderma. Last evaluated: 2023-05-04. Review status: criteria provided, single submitter. Criteria: ACMG Guidelines, 2015. Collection method: clinical testing. Allele origin: germline. Inheritance: Autosomal dominant inheritance. Observed: 1 variant allele, 1 heterozygote.
Comment: This missense variant replaces leucine with arginine at codon 504 of the DSP protein. Computational prediction is inconclusive regarding the impact of this variant on protein structure and function (internally defined REVEL score threshold 0.5 < inconclusive < 0.7, PMID: 27666373). To our knowledge, functional studies have not been reported for this variant. This variant has not been reported in individuals affected with DSP-related disorders in the literature. This variant has not been identified in the general population by the Genome Aggregation Database (gnomAD). The available evidence is insufficient to determine the role of this variant in disease conclusively. Therefore, this variant is classified as a Variant of Uncertain Significance.

This study involves interpretation of variants in research participants for the purpose of population health screening. Participant phenotype was not available at the time of variant classification. Additional details can be found in publication PMID: 35346344, PMCID: PMC8962531